The following is an entry in ClinVar:

NM_001942.4(DSG1):c.1314A>T (p.Arg438Ser)

Gene: DSG1 (desmoglein 1; plus strand). Cytogenetic location: 18q12.1.
Variant type: single nucleotide variant.
Coding change: c.1314A>T on transcript NM_001942.4 (MANE Select); coding-DNA position 1314, A replaced by T.
Protein change: p.Arg438Ser; replaces arginine 438 with serine.
Molecular consequence: missense variant.
Genome position (GRCh38, 1-based): chr18:31,338,363, A>T. VCF-style: chr18-31338363-A-T. GRCh37 (hg19) VCF-style: chr18-28918326-A-T.
Other names: short protein forms R438S.
Identifiers: ClinVar variation 2986622 (VCV002986622.3), dbSNP rs2510835395, ClinGen allele CA402136110.

ClinVar aggregate classification (germline): Uncertain significance (1 of 4 stars; one submission).

Allele frequency attached by ClinVar (database versions not stated): gnomAD exomes below 0.00001.
gnomAD v4.1: 2 of 1,613,918 alleles (0.00012%); highest among the groups gnomAD compares: Non-Finnish European, 0.00017%; no homozygotes.

Submission:

Labcorp Genetics (formerly Invitae), Labcorp
Classification: Uncertain significance. Last evaluated: 2024-08-11. Review status: criteria provided, single submitter. Criteria: Invitae Variant Classification Sherloc (09022015). Collection method: clinical testing. Allele origin: germline.
Comment: This sequence change replaces arginine, which is basic and polar, with serine, which is neutral and polar, at codon 438 of the DSG1 protein (p.Arg438Ser). This variant is not present in population databases (gnomAD no frequency). This variant has not been reported in the literature in individuals affected with DSG1-related conditions. Advanced modeling of protein sequence and biophysical properties (such as structural, functional, and spatial information, amino acid conservation, physicochemical variation, residue mobility, and thermodynamic stability) performed at Invitae indicates that this missense variant is not expected to disrupt DSG1 protein function with a negative predictive value of 80%. In summary, the available evidence is currently insufficient to determine the role of this variant in disease. Therefore, it has been classified as a Variant of Uncertain Significance.